The following is an entry in ClinVar:

NM_002485.5(NBN):c.*2212G>A

Gene: NBN (nibrin; minus strand). Cytogenetic location: 8q21.3.
Variant type: single nucleotide variant.
Coding change: c.*2212G>A on transcript NM_002485.5 (MANE Select); 2212 bases downstream of the stop codon, G replaced by A.
Molecular consequence: 3 prime UTR variant.
Genome position (GRCh38, 1-based): chr8:89,933,370, C>T on the plus strand (G>A on the coding strand, the complement: NBN is on the minus strand). VCF-style: chr8-89933370-C-T. GRCh37 (hg19) VCF-style: chr8-90945598-C-T.
Other names: c.*2212G>A (NM_001024688.3).
Identifiers: ClinVar variation 363891 (VCV000363891.5), dbSNP rs10464867, ClinGen allele CA10631625.
Genomic context (GRCh38, chr8:89,933,370, plus strand): 5'-ACTTTTGACTTAAATACAGTATTTTCAACTTACATTGCGTTTATTACAATGTAATCCCAA[C>T]TTAAGGAGCATCTATGCAGCTACAGTAATTCAAGGCAGTATGGTATGAGTGAGTGCAAGG-3'

ClinVar aggregate classification (germline): Benign (1 of 4 stars; one submission).

Conditions:
Microcephaly, normal intelligence and immunodeficiency (NBS). Also called: Ataxia telangiectasia variant V1; Immunodeficiency, microcephaly with normal intelligence; IMMUNODEFICIENCY, MICROCEPHALY, AND CHROMOSOMAL INSTABILITY; SEEMANOVA SYNDROME II; Nijmegen breakage syndrome; Microcephaly with normal intelligence immunodeficiency and lymphoreticular malignancies. Identifiers: Orphanet 647, MedGen C0398791, MONDO:0009623, OMIM 251260.

Allele frequency attached by ClinVar (database versions not stated): TOPMed 0.03866; gnomAD exomes 0.04700; gnomAD 0.02921 and 0.03308; 1000 Genomes Project 30x 0.06605; 1000 Genomes Project 0.06869.
gnomAD v4.1: 8,156 of 219,934 alleles (3.7%); highest among the groups gnomAD compares: East Asian, 18%; 424 homozygotes.

Submission:

Illumina Laboratory Services, Illumina
Classification: Benign for Microcephaly, normal intelligence and immunodeficiency. Last evaluated: 2018-01-12. Review status: criteria provided, single submitter. Criteria: ICSL Variant Classification Criteria 13 December 2019. Collection method: clinical testing. Allele origin: germline.
Comment: This variant was observed in the ICSL laboratory as part of a predisposition screen in an ostensibly healthy population. It had not been previously curated by ICSL or reported in the Human Gene Mutation Database (HGMD: prior to June 1st, 2018), and was therefore a candidate for classification through an automated scoring system. Utilizing variant allele frequency, disease prevalence and penetrance estimates, and inheritance mode, an automated score was calculated to assess if this variant is too frequent to cause the disease. Based on the score and internal cut-off values, a variant classified as benign is not then subjected to further curation. The score for this variant resulted in a classification of benign for this disease.